The following is an entry in ClinVar:

NM_006662.3(SRCAP):c.4337C>T (p.Thr1446Ile)

Gene: SRCAP (Snf2 related CREBBP activator protein; plus strand). Cytogenetic location: 16p11.2.
Variant type: single nucleotide variant.
Coding change: c.4337C>T on transcript NM_006662.3 (MANE Select); coding-DNA position 4337, C replaced by T.
Protein change: p.Thr1446Ile; replaces threonine 1446 with isoleucine.
Molecular consequence: missense variant.
Genome position (GRCh38, 1-based): chr16:30,723,761, C>T. VCF-style: chr16-30723761-C-T. GRCh37 (hg19) VCF-style: chr16-30735082-C-T.
Other names: short protein forms T1446I.
Identifiers: ClinVar variation 1515393 (VCV001515393.8), dbSNP rs188267225, ClinGen allele CA8011725.
Genomic context (GRCh38, chr16:30,723,761, plus strand): 5'-CTGTGTCCTCTACAGTCTCAGTTCCATTGTCATCTTCACTCCCCATCTCTGTCCCCACCA[C>T]ACTTCCTGCCCCAGCCTCGGCTCCACTCACCATCCCCATCTCAGCCCCCTTGACTGTTTC-3'
Protein context (NP_006653.2, residues 1436-1456): SSSLPISVPT[Thr1446Ile]LPAPASAPLT

ClinVar aggregate classification (germline): Uncertain significance (1 of 4 stars; one submission).

Allele frequency attached by ClinVar (database versions not stated): TOPMed 0.00001; gnomAD 0.00002.
gnomAD v4.1: 109 of 1,613,974 alleles (0.0068%); highest among the groups gnomAD compares: East Asian, 0.24%; 1 homozygote.

Submission:

Labcorp Genetics (formerly Invitae), Labcorp
Classification: Uncertain significance. Last evaluated: 2021-05-08. Review status: criteria provided, single submitter. Criteria: Invitae Variant Classification Sherloc (09022015). Collection method: clinical testing. Allele origin: germline.
Comment: This sequence change replaces threonine with isoleucine at codon 1446 of the SRCAP protein (p.Thr1446Ile). The threonine residue is highly conserved and there is a moderate physicochemical difference between threonine and isoleucine. This variant is present in population databases (rs188267225, ExAC 0.07%). This variant has not been reported in the literature in individuals with SRCAP-related conditions. Algorithms developed to predict the effect of missense changes on protein structure and function are either unavailable or do not agree on the potential impact of this missense change (SIFT: "Deleterious"; PolyPhen-2: "Possibly Damaging"; Align-GVGD: "Class C15"). In summary, the available evidence is currently insufficient to determine the role of this variant in disease. Therefore, it has been classified as a Variant of Uncertain Significance.